The following is an entry in ClinVar:

NM_025114.4(CEP290):c.3573+1G>C

Gene: CEP290 (centrosomal protein 290; minus strand). Cytogenetic location: 12q21.32.
Variant type: single nucleotide variant.
Coding change: c.3573+1G>C on transcript NM_025114.4 (MANE Select); the canonical splice donor site of the intron after coding-DNA position 3573, G replaced by C.
Molecular consequence: splice donor variant.
Genome position (GRCh38, 1-based): chr12:88,090,727, C>G on the plus strand (G>C on the coding strand, the complement: CEP290 is on the minus strand). VCF-style: chr12-88090727-C-G. GRCh37 (hg19) VCF-style: chr12-88484504-C-G.
Identifiers: ClinVar variation 1506713 (VCV001506713.8), dbSNP rs1339320666, ClinGen allele CA386001541.

ClinVar aggregate classification (germline): Pathogenic (1 of 4 stars; one submission).

Conditions:
Nephronophthisis. Also called: Juvenile Nephronophthisis. Identifiers: Orphanet 655, MedGen C0687120, MONDO:0019005, HP:0000090.
Meckel-Gruber syndrome. Also called: DYSENCEPHALIA SPLANCHNOCYSTICA; GRUBER SYNDROME; Dysencephalia splachnocystica. Identifiers: Orphanet 564, MedGen C0265215, MONDO:0018921.
Joubert syndrome. Also called: CEREBELLOPARENCHYMAL DISORDER IV; JOUBERT-BOLTSHAUSER SYNDROME; Familial aplasia of the vermis. Identifiers: Orphanet 475, MedGen C5979921, MONDO:0018772.

Submission:

Labcorp Genetics (formerly Invitae), Labcorp
Classification: Pathogenic for Joubert syndrome; Meckel-Gruber syndrome; Nephronophthisis. Last evaluated: 2022-11-15. Review status: criteria provided, single submitter. Criteria: Invitae Variant Classification Sherloc (09022015). Collection method: clinical testing. Allele origin: germline.
Comment: Algorithms developed to predict the effect of sequence changes on RNA splicing suggest that this variant may disrupt the consensus splice site. For these reasons, this variant has been classified as Pathogenic. ClinVar contains an entry for this variant (Variation ID: 1506713). Disruption of this splice site has been observed in individuals with clinical features of CEP290-related conditions (PMID: 26673778; Invitae). This variant is not present in population databases (gnomAD no frequency). This sequence change affects a donor splice site in intron 30 of the CEP290 gene. It is expected to disrupt RNA splicing. Variants that disrupt the donor or acceptor splice site typically lead to a loss of protein function (PMID: 16199547), and loss-of-function variants in CEP290 are known to be pathogenic (PMID: 16909394, 17345604, 20690115).

Literature cited by the submitters: PubMed 26673778; PubMed 16199547; PubMed 16909394; PubMed 17345604; PubMed 20690115.